The following is an entry in ClinVar:

ClinVar aggregate classification (germline): Benign (0 of 4 stars; one submission).

Conditions:
ZPBP-related disorder. Also called: ZPBP-related condition.

Allele frequency attached by ClinVar (database versions not stated): TOPMed 0.00071; ESP Exome Variant Server 0.00108; 1000 Genomes Project 30x 0.00109; 1000 Genomes Project 0.00120; gnomAD exomes 0.00161; ExAC 0.00220; gnomAD 0.00256.
gnomAD v4.1: 2,712 of 1,611,372 alleles (0.17%); highest among the groups gnomAD compares: Non-Finnish European, 0.1%; 15 homozygotes.

Submission:

PreventionGenetics, part of Exact Sciences
Classification: Benign for ZPBP-related condition. Last evaluated: 2019-10-28. Review status: no assertion criteria provided. Collection method: clinical testing. Allele origin: germline.
Comment: This variant is classified as benign based on ACMG/AMP sequence variant interpretation guidelines (Richards et al. 2015 PMID: 25741868, with internal and published modifications).

NM_007009.3(ZPBP):c.521C>G (p.Thr174Arg)

Gene: ZPBP (zona pellucida binding protein; minus strand). Cytogenetic location: 7p12.2.
Variant type: single nucleotide variant.
Coding change: c.521C>G on transcript NM_007009.3 (MANE Select); coding-DNA position 521, C replaced by G.
Protein change: p.Thr174Arg; replaces threonine 174 with arginine.
Molecular consequence: missense variant.
Genome position (GRCh38, 1-based): chr7:50,031,277, G>C on the plus strand (C>G on the coding strand, the complement: ZPBP is on the minus strand). VCF-style: chr7-50031277-G-C. GRCh37 (hg19) VCF-style: chr7-50070873-G-C.
Other names: c.518C>G, p.Thr173Arg (NM_001159878.2); short protein forms T173R, T174R.
Identifiers: ClinVar variation 3034355 (VCV003034355.2), dbSNP rs140478650, ClinGen allele CA4260793.